The following is an entry in ClinVar:

ClinVar aggregate classification (germline): Uncertain significance (1 of 4 stars; one submission).

Submission:

Labcorp Genetics (formerly Invitae), Labcorp
Classification: Uncertain significance. Last evaluated: 2023-07-10. Review status: criteria provided, single submitter. Criteria: Invitae Variant Classification Sherloc (09022015). Collection method: clinical testing. Allele origin: germline.
Comment: This sequence change replaces leucine, which is neutral and non-polar, with arginine, which is basic and polar, at codon 50 of the UGT1A1 protein (p.Leu50Arg). This variant is not present in population databases (gnomAD no frequency). This variant has not been reported in the literature in individuals affected with UGT1A1-related conditions. ClinVar contains an entry for this variant (Variation ID: 2029994). Advanced modeling of protein sequence and biophysical properties (such as structural, functional, and spatial information, amino acid conservation, physicochemical variation, residue mobility, and thermodynamic stability) performed at Invitae indicates that this missense variant is expected to disrupt UGT1A1 protein function. In summary, the available evidence is currently insufficient to determine the role of this variant in disease. Therefore, it has been classified as a Variant of Uncertain Significance.

NM_000463.3(UGT1A1):c.149T>G (p.Leu50Arg)

Genes: UGT1A10 (UDP glucuronosyltransferase family 1 member A10; plus strand), UGT1A (UDP glucuronosyltransferase family 1 member A complex locus; plus strand), UGT1A1 (UDP glucuronosyltransferase family 1 member A1; plus strand), UGT1A3 (UDP glucuronosyltransferase family 1 member A3; plus strand), UGT1A4 (UDP glucuronosyltransferase family 1 member A4; plus strand) and 5 more. Cytogenetic location: 2q37.1.
Variant type: single nucleotide variant.
Coding change: c.149T>G on transcript NM_000463.3 (MANE Select); coding-DNA position 149, T replaced by G.
Protein change: p.Leu50Arg; replaces leucine 50 with arginine.
Molecular consequence: missense variant. On other transcripts: intron variant (9).
Genome position (GRCh38, 1-based): chr2:233,760,436, T>G. VCF-style: chr2-233760436-T-G. GRCh37 (hg19) VCF-style: chr2-234669082-T-G.
Other names: c.856-6598T>G (NM_019076.5, NM_019075.4, NM_021027.3 and 1 more transcripts); c.61-6598T>G (NM_205862.3); c.862-6598T>G (NM_001072.4); c.868-6598T>G (NM_019078.2, NM_007120.3, NM_019093.4); short protein forms L50R.
Identifiers: ClinVar variation 2029994 (VCV002029994.4), dbSNP rs2125984045, ClinGen allele CA351065891.